The following is an entry in ClinVar:

NM_025137.4(SPG11):c.5158C>T (p.Gln1720Ter)

Gene: SPG11 (SPG11 vesicle trafficking associated, spatacsin; minus strand). Cytogenetic location: 15q21.1.
Variant type: single nucleotide variant.
Coding change: c.5158C>T on transcript NM_025137.4 (MANE Select); coding-DNA position 5158, C replaced by T.
Protein change: p.Gln1720Ter; replaces glutamine 1720 with a stop codon.
Molecular consequence: nonsense.
Genome position (GRCh38, 1-based): chr15:44,584,522, G>A on the plus strand (C>T on the coding strand, the complement: SPG11 is on the minus strand). VCF-style: chr15-44584522-G-A. GRCh37 (hg19) VCF-style: chr15-44876720-G-A.
Other names: c.5158C>T, p.Gln1720Ter (NM_001160227.2); short protein forms Q1720*.
Identifiers: ClinVar variation 406517 (VCV000406517.12), dbSNP rs1060501173, ClinGen allele CA16614614.

ClinVar aggregate classification (germline): Pathogenic. Review status: criteria provided, multiple submitters, no conflicts (2 of 4 stars). 3 submissions from 3 submitters: Pathogenic (3). Last evaluated 2024-06-25.

Conditions:
Hereditary spastic paraplegia 11. Also called: Spastic Paraplegia 11; Spastic paraplegia, mental retardation and thin corpus callosum; Nakamura Osame syndrome; Autosomal recessive hereditary spastic paraplegia, mental impairment, and thin corpus callosum; SPASTIC PARAPLEGIA, AUTOSOMAL RECESSIVE, COMPLICATED, WITH THIN CORPUS CALLOSUM; SPASTIC PARAPLEGIA, AUTOSOMAL RECESSIVE, WITH MENTAL IMPAIRMENT AND THIN CORPUS CALLOSUM. Identifiers: Orphanet 2822, MedGen C1858479, MONDO:0011445, OMIM 604360.

Allele frequency attached by ClinVar (database versions not stated): gnomAD exomes 0.00001.
gnomAD v4.1: 3 of 1,612,752 alleles (0.00019%); highest among the groups gnomAD compares: Admixed American, 0.005%; no homozygotes.

Submissions (3):

GeneDx
Classification: Pathogenic. Last evaluated: 2024-06-25. Review status: criteria provided, single submitter. Criteria: GeneDx Variant Classification Process June 2021. Collection method: clinical testing. Allele origin: germline. Affected: yes.
Comment: Nonsense variant predicted to result in protein truncation or nonsense mediated decay in a gene for which loss of function is a known mechanism of disease; Not observed at significant frequency in large population cohorts (gnomAD); Has not been previously published as pathogenic or benign to our knowledge

Labcorp Genetics (formerly Invitae), Labcorp
Classification: Pathogenic for Hereditary spastic paraplegia 11. Last evaluated: 2022-07-20. Review status: criteria provided, single submitter. Criteria: Invitae Variant Classification Sherloc (09022015). Collection method: clinical testing. Allele origin: germline.
Comment: For these reasons, this variant has been classified as Pathogenic. Algorithms developed to predict the effect of sequence changes on RNA splicing suggest that this variant may disrupt the consensus splice site. ClinVar contains an entry for this variant (Variation ID: 406517). This variant has not been reported in the literature in individuals affected with SPG11-related conditions. This variant is present in population databases (no rsID available, gnomAD 0.009%). This sequence change creates a premature translational stop signal (p.Gln1720*) in the SPG11 gene. It is expected to result in an absent or disrupted protein product. Loss-of-function variants in SPG11 are known to be pathogenic (PMID: 19105190, 20110243, 22154821, 26556829).

Genome-Nilou Lab
Classification: Pathogenic for Hereditary spastic paraplegia 11. Review status: criteria provided, single submitter. Criteria: ACMG Guidelines, 2015. Collection method: clinical testing. Allele origin: germline.

Literature cited by the submitters: PubMed 19105190 (cited by Labcorp Genetics (formerly Invitae), Labcorp); PubMed 20110243 (cited by Labcorp Genetics (formerly Invitae), Labcorp); PubMed 22154821 (cited by Labcorp Genetics (formerly Invitae), Labcorp); PubMed 26556829 (cited by Labcorp Genetics (formerly Invitae), Labcorp).